The following is an entry in ClinVar:

ClinVar aggregate classification (germline): Conflicting classifications of pathogenicity. Review status: criteria provided, conflicting classifications (1 of 4 stars). 9 submissions from 9 submitters: Uncertain significance (5); Benign (2); Likely benign (1). 1 of the submissions does not count toward it. Last evaluated 2026-10-01.

Conditions:
Gastrointestinal stromal tumor. Also called: Gastrointestinal stromal tumor, somatic; Gastrointestinal stroma tumor. Identifiers: Orphanet 44890, MedGen C0238198, MeSH D046152, MONDO:0011719, OMIM 606764, HP:0100723.
Mitochondrial complex 2 deficiency, nuclear type 4. Also called: MITOCHONDRIAL COMPLEX II DEFICIENCY, NUCLEAR TYPE 4. Identifiers: MedGen C5543176, MONDO:0030974, OMIM 619224.
Carney-Stratakis syndrome. Also called: PARAGANGLIOMA AND GASTROINTESTINAL STROMAL TUMOR. Identifiers: Orphanet 97286, MedGen C1847319, MONDO:0011740, OMIM 606864.
Pheochromocytoma/paraganglioma syndrome 4. Also called: SDHB-Related Hereditary Paraganglioma-Pheochromocytoma Syndrome; Paragangliomas 4; CAROTID BODY TUMORS AND MULTIPLE EXTRAADRENAL PHEOCHROMOCYTOMAS; PARAGANGLIOMA, FAMILIAL MALIGNANT; PARAGANGLIOMAS, HEREDITARY EXTRAADRENAL; PHEOCHROMOCYTOMA, FAMILIAL EXTRAADRENAL. Identifiers: Orphanet 29072, MedGen C1861848, MONDO:0007273, OMIM 115310.
Ovarian cancer. Also called: OVARIAN CANCER, SOMATIC. Identifiers: Orphanet 213500, MedGen C1140680, MONDO:0008170, OMIM 167000.
Hereditary pheochromocytoma and paraganglioma. Also called: Hereditary Paraganglioma-Pheochromocytoma Syndromes; Hereditary paragangliomas and pheochromocytomas; Hereditary pheochromocytoma-paraganglioma. Identifiers: Orphanet 29072, MedGen C4274332, MONDO:0017366.
Pheochromocytoma. Also called: MAX-Related Hereditary Paraganglioma-Pheochromocytoma Syndrome. Identifiers: Orphanet 29072, MedGen C0031511, MONDO:0008233, OMIM 171300, HP:0002666.
Hereditary cancer-predisposing syndrome. Also called: Tumor predisposition; Neoplastic Syndromes, Hereditary; Hereditary neoplastic syndrome; Hereditary Cancer Syndrome. Identifiers: Orphanet 140162, MedGen C0027672, MeSH D009386, MONDO:0015356.

Allele frequency attached by ClinVar (database versions not stated): TOPMed 0.00003; gnomAD 0.00004 and 0.00005; 1000 Genomes Project 30x 0.00031; 1000 Genomes Project 0.00040.
gnomAD v4.1: 35 of 1,614,046 alleles (0.0022%); highest among the groups gnomAD compares: East Asian, 0.074%; no homozygotes.

Submissions (9):

St. Jude Molecular Pathology, St. Jude Children's Research Hospital
Classification: Uncertain significance for Pheochromocytoma/paraganglioma syndrome 4. Last evaluated: 2026-10-01. Review status: criteria provided, single submitter. Criteria: St. Jude Assertion Criteria 2020. Collection method: clinical testing. Allele origin: germline.
Comment: The SDHB c.709C>T p.(Pro237Ser) missense change has a maximum frequency of 0.14% in gnomAD v2.1.1. The in silico tool REVEL is inconclusive about a pathogenic or benign effect of this variant on protein function, and to our knowledge functional studies have not been performed. To our knowledge, this variant has not been reported in individuals with hereditary paraganglioma-pheochromocytoma syndrome. In summary, the evidence currently available is insufficient to determine the clinical significance of this variant. It has therefore been classified as of uncertain significance. Ã¢ € ¯

Color Diagnostics, LLC DBA Color Health
Classification: Benign for Hereditary pheochromocytoma and paraganglioma. Last evaluated: 2025-09-23. Review status: criteria provided, single submitter. Criteria: ACMG Guidelines, 2015. Collection method: clinical testing. Allele origin: germline.

Fulgent Genetics
Classification: Uncertain significance for Pheochromocytoma/paraganglioma syndrome 4; Gastrointestinal stromal tumor; Carney-Stratakis syndrome; Mitochondrial complex 2 deficiency, nuclear type 4. Last evaluated: 2024-04-11. Review status: criteria provided, single submitter. Criteria: ACMG Guidelines, 2015. Collection method: clinical testing. Allele origin: germline.

Labcorp Genetics (formerly Invitae), Labcorp
Classification: Uncertain significance for Gastrointestinal stromal tumor; Pheochromocytoma/paraganglioma syndrome 4; Pheochromocytoma. Last evaluated: 2024-01-12. Review status: criteria provided, single submitter. Criteria: Invitae Variant Classification Sherloc (09022015). Collection method: clinical testing. Allele origin: germline.
Comment: This sequence change replaces proline, which is neutral and non-polar, with serine, which is neutral and polar, at codon 237 of the SDHB protein (p.Pro237Ser). This variant is present in population databases (rs186768244, gnomAD 0.1%). This missense change has been observed in individual(s) with paraganglioma (PMID: 23780556). This variant is also known as 843C>T (P236S). ClinVar contains an entry for this variant (Variation ID: 371795). Advanced modeling of protein sequence and biophysical properties (such as structural, functional, and spatial information, amino acid conservation, physicochemical variation, residue mobility, and thermodynamic stability) performed at Invitae indicates that this missense variant is not expected to disrupt SDHB protein function with a negative predictive value of 80%. In summary, the available evidence is currently insufficient to determine the role of this variant in disease. Therefore, it has been classified as a Variant of Uncertain Significance.

Myriad Genetics, Inc.
Classification: Uncertain significance for Pheochromocytoma/paraganglioma syndrome 4. Last evaluated: 2023-04-24. Review status: criteria provided, single submitter. Criteria: Myriad Autosomal Dominant, Autosomal Recessive and X-Linked Classification Criteria (2023). Collection method: clinical testing. Allele origin: unknown.
Comment: This variant is classified as a variant of uncertain significance as there is insufficient evidence to determine its impact on protein function and/or cancer risk.

Laboratory of Molecular Epidemiology of Birth Defects, West China Second University Hospital, Sichuan University
Classification: Benign for Ovarian cancer. Last evaluated: 2022-01-01. Review status: criteria provided, single submitter. Criteria: ACMG Guidelines, 2015. Collection method: clinical testing. Allele origin: germline. Affected: yes.

GeneDx
Classification: Uncertain significance. Last evaluated: 2020-10-21. Review status: criteria provided, single submitter. Criteria: GeneDx Variant Classification Process June 2021. Collection method: clinical testing. Allele origin: germline. Affected: yes.
Comment: In silico analysis supports that this missense variant has a deleterious effect on protein structure/function; Observed in an individual with a personal history of paraganglioma (Sato 2013); Also known as c.843C>T, p.Pro236Ser; This variant is associated with the following publications: (PMID: 23780556)

Ambry Genetics
Classification: Likely benign for Hereditary cancer-predisposing syndrome. Last evaluated: 2019-02-05. Review status: criteria provided, single submitter. Criteria: Ambry Variant Classification Scheme 2023. Collection method: clinical testing. Allele origin: germline.

Counsyl
Classification: Uncertain significance for Pheochromocytoma/paraganglioma syndrome 4. Last evaluated: 2015-12-04. Review status: no assertion criteria provided. Collection method: clinical testing. Allele origin: unknown. Not counted in ClinVar's aggregate classification.

Literature cited by the submitters: PubMed 23780556 (cited by Labcorp Genetics (formerly Invitae), Labcorp and Counsyl).

NM_003000.3(SDHB):c.709C>T (p.Pro237Ser)

Gene: SDHB (succinate dehydrogenase complex iron sulfur subunit B; minus strand). Cytogenetic location: 1p36.13.
Variant type: single nucleotide variant.
Coding change: c.709C>T on transcript NM_003000.3 (MANE Select); coding-DNA position 709, C replaced by T.
Protein change: p.Pro237Ser; replaces proline 237 with serine.
Molecular consequence: missense variant.
Genome position (GRCh38, 1-based): chr1:17,022,664, G>A on the plus strand (C>T on the coding strand, the complement: SDHB is on the minus strand). VCF-style: chr1-17022664-G-A. GRCh37 (hg19) VCF-style: chr1-17349159-G-A.
Other names: short protein forms P237S.
Identifiers: ClinVar variation 371795 (VCV000371795.23), dbSNP rs186768244, ClinGen allele CA089715.
Genomic context (GRCh38, chr1:17,022,664, plus strand): 5'-GTACCTTAGGACAGGTCCTTGTGCAGTTCATGATGGTGTGGCAGCGGTATAGAGAGAATG[G>A]GTCCTGCAGCTTGGCCAGGCGCTCCTCTGTGAAGTCATCTCTGGAGTCAATCATCCAGCG-3'
Protein context (NP_002991.2, residues 227-247): TEERLAKLQD[Pro237Ser]FSLYRCHTIM